The following is an entry in ClinVar:

NC_000002.11:g.(?_152369227)_(152376302_?)del

Gene: NEB (nebulin; minus strand). Cytogenetic location: 2q23.3.
Variant type: Deletion.
Identifiers: ClinVar variation 2424068 (VCV002424068.4).

ClinVar aggregate classification (germline): Uncertain significance (1 of 4 stars; one submission).

Conditions:
Nemaline myopathy 2 (NEM2). Also called: Nemaline myopathy 2, autosomal recessive. Identifiers: MedGen C1850569, MONDO:0009725, OMIM 256030.

Submission:

Labcorp Genetics (formerly Invitae), Labcorp
Classification: Uncertain significance for Nemaline myopathy 2. Last evaluated: 2021-12-19. Review status: criteria provided, single submitter. Criteria: Invitae Variant Classification Sherloc (09022015). Collection method: clinical testing. Allele origin: germline.
Comment: This variant is a gross deletion of the genomic region encompassing exon(s) 155-162 of the NEB gene. This variant would be expected to be in-frame, preserving the integrity of the reading frame. In summary, the available evidence is currently insufficient to determine the role of this variant in disease. Therefore, it has been classified as a Variant of Uncertain Significance. This variant disrupts a region of the NEB protein in which other variant(s) (p.Leu7597Pro) have been observed in individuals with NEB-related conditions (PMID: 21724397). This suggests that this is a clinically significant region of the protein, and that variants that disrupt it are likely to be disease-causing. Experimental studies and prediction algorithms are not available or were not evaluated, and the functional significance of this variant is currently unknown. This variant has not been reported in the literature in individuals affected with NEB-related conditions.

Literature cited by the submitters: PubMed 21724397.